The following is an entry in ClinVar:

NM_014319.5(LEMD3):c.1653T>A (p.Ser551Arg)

Gene: LEMD3 (LEM domain containing 3; plus strand). Cytogenetic location: 12q14.3.
Variant type: single nucleotide variant.
Coding change: c.1653T>A on transcript NM_014319.5 (MANE Select); coding-DNA position 1653, T replaced by A.
Protein change: p.Ser551Arg; replaces serine 551 with arginine.
Molecular consequence: missense variant.
Genome position (GRCh38, 1-based): chr12:65,218,577, T>A. VCF-style: chr12-65218577-T-A. GRCh37 (hg19) VCF-style: chr12-65612357-T-A.
Other names: c.1650T>A, p.Ser550Arg (NM_001167614.2); short protein forms S550R, S551R.
Identifiers: ClinVar variation 2872605 (VCV002872605.3), dbSNP rs2498884719, ClinGen allele CA385677459.

ClinVar aggregate classification (germline): Uncertain significance (1 of 4 stars; one submission).

Submission:

Labcorp Genetics (formerly Invitae), Labcorp
Classification: Uncertain significance. Last evaluated: 2023-06-05. Review status: criteria provided, single submitter. Criteria: Invitae Variant Classification Sherloc (09022015). Collection method: clinical testing. Allele origin: germline.
Comment: Advanced modeling of protein sequence and biophysical properties (such as structural, functional, and spatial information, amino acid conservation, physicochemical variation, residue mobility, and thermodynamic stability) performed at Invitae indicates that this missense variant is not expected to disrupt LEMD3 protein function. In summary, the available evidence is currently insufficient to determine the role of this variant in disease. Therefore, it has been classified as a Variant of Uncertain Significance. This sequence change replaces serine, which is neutral and polar, with arginine, which is basic and polar, at codon 551 of the LEMD3 protein (p.Ser551Arg). This variant is not present in population databases (gnomAD no frequency). This variant has not been reported in the literature in individuals affected with LEMD3-related conditions.